The following is an entry in ClinVar:

ClinVar aggregate classification (germline): Uncertain significance (1 of 4 stars; one submission).

gnomAD v4.1: 6 of 1,614,060 alleles (0.00037%); highest among the groups gnomAD compares: African/African-American, 0.008%; no homozygotes.

Submission:

Ambry Genetics
Classification: Uncertain significance. Last evaluated: 2026-01-26. Review status: criteria provided, single submitter. Criteria: Ambry Variant Classification Scheme 2023. Collection method: clinical testing. Allele origin: germline.
Comment: The c.1450A>G (p.I484V) alteration is located in exon 7 (coding exon 7) of the ICAM1 gene. This alteration results from a A to G substitution at nucleotide position 1450, causing the isoleucine (I) at amino acid position 484 to be replaced by a valine (V). Based on data from gnomAD, the G allele has an overall frequency of <0.001% (1/251294) total alleles studied. The highest observed frequency was 0.006% (1/16256) of African alleles. Based on insufficient or conflicting evidence, the clinical significance of this alteration remains unclear.

NM_000201.3(ICAM1):c.1450A>G (p.Ile484Val)

Gene: ICAM1 (intercellular adhesion molecule 1; plus strand). Cytogenetic location: 19p13.2.
Variant type: single nucleotide variant.
Coding change: c.1450A>G on transcript NM_000201.3 (MANE Select); coding-DNA position 1450, A replaced by G.
Protein change: p.Ile484Val; replaces isoleucine 484 with valine.
Molecular consequence: missense variant.
Genome position (GRCh38, 1-based): chr19:10,285,138, A>G. VCF-style: chr19-10285138-A-G. GRCh37 (hg19) VCF-style: chr19-10395814-A-G.
Other names: short protein forms I484V.
Identifiers: ClinVar variation 4830392 (VCV004830392.1).